The following is an entry in ClinVar:

NM_020779.4(WDR35):c.1468del (p.Gln490fs)

Gene: WDR35 (WD repeat domain 35; minus strand). Cytogenetic location: 2p24.1.
Variant type: Deletion.
Coding change: c.1468del on transcript NM_020779.4 (MANE Select); coding-DNA position 1468, one base deleted (C; older notation c.1468delC).
Protein change: p.Gln490fs; shifts the reading frame from glutamine 490.
Molecular consequence: frameshift variant.
Genome position (GRCh38, 1-based): chr2:19,951,417, G deleted on the plus strand (C on the coding strand, the reverse complement: WDR35 is on the minus strand). VCF-style (leftmost placement, unchanged base first): chr2-19951416-TG-T. GRCh37 (hg19) VCF-style: chr2-20151177-TG-T.
Other names: c.1501del, p.Gln501fs (NM_001006657.2); short protein forms Q501fs, Q490fs.
Identifiers: ClinVar variation 289210 (VCV000289210.12), dbSNP rs886044119, ClinGen allele CA10606370.

ClinVar aggregate classification (germline): Pathogenic/Likely pathogenic. Review status: criteria provided, multiple submitters, no conflicts (2 of 4 stars). 5 submissions from 5 submitters: Pathogenic (1); Likely pathogenic (2). 2 of the submissions do not count toward it. Last evaluated 2024-05-16.

Conditions:
Short rib-polydactyly syndrome. Identifiers: Orphanet 1505, MedGen C0036996, MONDO:0015461.
SHORT-RIB THORACIC DYSPLASIA 7 WITHOUT POLYDACTYLY.
Short-rib thoracic dysplasia 7 with or without polydactyly (SRTD7). Also called: Short rib polydactyly syndrome 5; SHORT-RIB THORACIC DYSPLASIA 7 WITH POLYDACTYLY. Identifiers: Orphanet 498497, Orphanet 93271, MedGen C3279792, MONDO:0013569, OMIM 614091.
Cranioectodermal dysplasia 2 (CED2). Identifiers: Orphanet 1515, MedGen C3150874, MONDO:0013323, OMIM 613610.

Allele frequency attached by ClinVar (database versions not stated): gnomAD 0.00001; gnomAD exomes 0.00001; TOPMed 0.00002.

Submissions (5):

Fulgent Genetics
Classification: Likely pathogenic for Cranioectodermal dysplasia 2; Short-rib thoracic dysplasia 7 with or without polydactyly. Last evaluated: 2024-05-16. Review status: criteria provided, single submitter. Criteria: ACMG Guidelines, 2015. Collection method: clinical testing. Allele origin: germline.

Labcorp Genetics (formerly Invitae), Labcorp
Classification: Pathogenic for Cranioectodermal dysplasia 2; Short-rib thoracic dysplasia 7 with or without polydactyly. Last evaluated: 2024-05-06. Review status: criteria provided, single submitter. Criteria: Invitae Variant Classification Sherloc (09022015). Collection method: clinical testing. Allele origin: germline.
Comment: This sequence change creates a premature translational stop signal (p.Gln501Lysfs*10) in the WDR35 gene. It is expected to result in an absent or disrupted protein product. Loss-of-function variants in WDR35 are known to be pathogenic (PMID: 22486404, 29068549). This variant is present in population databases (no rsID available, gnomAD 0.002%). This premature translational stop signal has been observed in individual(s) with short rib polydactyly syndrome (PMID: 28400947). ClinVar contains an entry for this variant (Variation ID: 289210). For these reasons, this variant has been classified as Pathogenic.

Eurofins Ntd Llc (ga)
Classification: Likely pathogenic. Last evaluated: 2016-08-01. Review status: criteria provided, single submitter. Criteria: EGL Classification Definitions 2015. Collection method: clinical testing. Allele origin: germline. Observed: 1 variant allele, 1 heterozygote.

OMIM
Classification: Pathogenic for SHORT-RIB THORACIC DYSPLASIA 7 WITHOUT POLYDACTYLY. Last evaluated: 2018-03-30. Review status: no assertion criteria provided. Collection method: literature only. Allele origin: germline. Not counted in ClinVar's aggregate classification.

University of Washington Center for Mendelian Genomics, University of Washington
Classification: Likely pathogenic for Short Rib Polydactyly Syndrome. Last evaluated: 2017-03-30. Review status: no assertion criteria provided. Collection method: research. Allele origin: unknown. Affected: yes. Observed: 1 compound heterozygote. Not counted in ClinVar's aggregate classification.

Literature cited by the submitters: PubMed 22486404 (cited by Labcorp Genetics (formerly Invitae), Labcorp); PubMed 29068549 (cited by Labcorp Genetics (formerly Invitae), Labcorp); PubMed 28400947 (cited by 3 submitters).